The following is an entry in ClinVar:

ClinVar aggregate classification (germline): Uncertain significance (1 of 4 stars; one submission).

Conditions:
Temtamy preaxial brachydactyly syndrome (TPBS). Identifiers: Orphanet 363417, MedGen C1854466, MONDO:0011533, OMIM 605282.

Allele frequency attached by ClinVar (database versions not stated): ExAC 0.00001; gnomAD 0.00001; gnomAD exomes 0.00001; TOPMed 0.00001.
gnomAD v4.1: 13 of 1,614,074 alleles (0.00081%); highest among the groups gnomAD compares: Non-Finnish European, 0.001%; no homozygotes.

Submission:

Labcorp Genetics (formerly Invitae), Labcorp
Classification: Uncertain significance for Temtamy preaxial brachydactyly syndrome. Last evaluated: 2018-11-14. Review status: criteria provided, single submitter. Criteria: Invitae Variant Classification Sherloc (09022015). Collection method: clinical testing. Allele origin: germline.
Comment: This variant has not been reported in the literature in individuals with CHSY1-related disease. In summary, the available evidence is currently insufficient to determine the role of this variant in disease. Therefore, it has been classified as a Variant of Uncertain Significance. Algorithms developed to predict the effect of missense changes on protein structure and function are either unavailable or do not agree on the potential impact of this missense change (SIFT: "Deleterious"; PolyPhen-2: "Probably Damaging"; Align-GVGD: "Class C0"). This variant is present in population databases (rs773396835, ExAC 0.002%). This sequence change replaces arginine with tryptophan at codon 438 of the CHSY1 protein (p.Arg438Trp). The arginine residue is highly conserved and there is a moderate physicochemical difference between arginine and tryptophan.

NM_014918.5(CHSY1):c.1312C>T (p.Arg438Trp)

Gene: CHSY1 (chondroitin sulfate synthase 1; minus strand). Cytogenetic location: 15q26.3.
Variant type: single nucleotide variant.
Coding change: c.1312C>T on transcript NM_014918.5 (MANE Select); coding-DNA position 1312, C replaced by T.
Protein change: p.Arg438Trp; replaces arginine 438 with tryptophan.
Molecular consequence: missense variant.
Genome position (GRCh38, 1-based): chr15:101,178,485, G>A on the plus strand (C>T on the coding strand, the complement: CHSY1 is on the minus strand). VCF-style: chr15-101178485-G-A. GRCh37 (hg19) VCF-style: chr15-101718690-G-A.
Other names: short protein forms R438W.
Identifiers: ClinVar variation 646344 (VCV000646344.8), dbSNP rs773396835, ClinGen allele CA7762557.